The following is an entry in ClinVar:

NM_001164277.2(SLC37A4):c.670C>T (p.Pro224Ser)

Gene: SLC37A4 (solute carrier family 37 member 4; minus strand). Cytogenetic location: 11q23.3.
Variant type: single nucleotide variant.
Coding change: c.670C>T on transcript NM_001164277.2 (MANE Select); coding-DNA position 670, C replaced by T.
Protein change: p.Pro224Ser; replaces proline 224 with serine.
Molecular consequence: missense variant.
Genome position (GRCh38, 1-based): chr11:119,027,051, G>A on the plus strand (C>T on the coding strand, the complement: SLC37A4 is on the minus strand). VCF-style: chr11-119027051-G-A. GRCh37 (hg19) VCF-style: chr11-118897761-G-A.
Other names: c.670C>T, p.Pro224Ser (NM_001164278.2, NM_001164280.2, NM_001467.6); c.451C>T, p.Pro151Ser (NM_001164279.2); short protein forms P151S, P224S.
Identifiers: ClinVar variation 3694227 (VCV003694227.2).

ClinVar aggregate classification (germline): Uncertain significance (1 of 4 stars; one submission).

Conditions:
Glucose-6-phosphate transport defect (GSD1B). Also called: Glycogen Storage Disease Type Ib; GSD Ib. Identifiers: Orphanet 364, Orphanet 79259, MedGen C0268146, MONDO:0009288, OMIM 232220.

Submission:

Labcorp Genetics (formerly Invitae), Labcorp
Classification: Uncertain significance for Glucose-6-phosphate transport defect. Last evaluated: 2024-12-29. Review status: criteria provided, single submitter. Criteria: Invitae Variant Classification Sherloc (09022015). Collection method: clinical testing. Allele origin: germline.
Comment: This sequence change replaces proline, which is neutral and non-polar, with serine, which is neutral and polar, at codon 224 of the SLC37A4 protein (p.Pro224Ser). This variant is not present in population databases (gnomAD no frequency). This variant has not been reported in the literature in individuals affected with SLC37A4-related conditions. Invitae Evidence Modeling of protein sequence and biophysical properties (such as structural, functional, and spatial information, amino acid conservation, physicochemical variation, residue mobility, and thermodynamic stability) has been performed for this missense variant. However, the output from this modeling did not meet the statistical confidence thresholds required to predict the impact of this variant on SLC37A4 protein function. In summary, the available evidence is currently insufficient to determine the role of this variant in disease. Therefore, it has been classified as a Variant of Uncertain Significance.